The following is an entry in ClinVar:

NM_000057.4(BLM):c.2546G>A (p.Arg849Lys)

Gene: BLM (BLM RecQ like helicase; plus strand). Cytogenetic location: 15q26.1.
Variant type: single nucleotide variant.
Coding change: c.2546G>A on transcript NM_000057.4 (MANE Select); coding-DNA position 2546, G replaced by A.
Protein change: p.Arg849Lys; replaces arginine 849 with lysine.
Molecular consequence: missense variant.
Genome position (GRCh38, 1-based): chr15:90,769,577, G>A. VCF-style: chr15-90769577-G-A. GRCh37 (hg19) VCF-style: chr15-91312807-G-A.
Other names: c.2546G>A, p.Arg849Lys (NM_001287246.2, NM_001287247.2); c.1421G>A, p.Arg474Lys (NM_001287248.2); short protein forms R849K, R474K.
Identifiers: ClinVar variation 844187 (VCV000844187.11), dbSNP rs780523899, ClinGen allele CA7738801.
Genomic context (GRCh38, chr15:90,769,577, plus strand): 5'-TTACGGCCACAGCTAATCCCAGGGTACAGAAGGACATCCTGACTCAGCTGAAGATTCTCA[G>A]ACCTCAGGTGTAAGTTGTTGCACGTCACGTATTTGAGAACCCTGGGGCAGTGACTGCCAG-3'
Protein context (NP_000048.1, residues 839-859): KDILTQLKIL[Arg849Lys]PQVFSMSFNR

ClinVar aggregate classification (germline): Uncertain significance. Review status: criteria provided, multiple submitters, no conflicts (2 of 4 stars). 2 submissions from 2 submitters: Uncertain significance (2). Last evaluated 2025-11-12.

Conditions:
Hereditary cancer-predisposing syndrome. Also called: Hereditary Cancer Syndrome; Hereditary neoplastic syndrome; Tumor predisposition; Neoplastic Syndromes, Hereditary. Identifiers: Orphanet 140162, MedGen C0027672, MeSH D009386, MONDO:0015356.
Bloom syndrome (BLM). Also called: Bloom-Torre-Machacek syndrome. Identifiers: Orphanet 125, MedGen C0005859, MONDO:0008876, OMIM 210900.

Allele frequency attached by ClinVar (database versions not stated): ExAC 0.00001; gnomAD 0.00001; gnomAD exomes 0.00001; TOPMed 0.00001.
gnomAD v4.1: 2 of 1,613,758 alleles (0.00012%); highest among the groups gnomAD compares: East Asian, 0.0045%; no homozygotes.

Submissions (2):

Labcorp Genetics (formerly Invitae), Labcorp
Classification: Uncertain significance for Bloom syndrome. Last evaluated: 2025-11-12. Review status: criteria provided, single submitter. Criteria: Invitae Variant Classification Sherloc (09022015). Collection method: clinical testing. Allele origin: germline.
Comment: This sequence change replaces arginine, which is basic and polar, with lysine, which is basic and polar, at codon 849 of the BLM protein (p.Arg849Lys). This variant is present in population databases (rs780523899, gnomAD 0.01%). This variant has not been reported in the literature in individuals affected with BLM-related conditions. ClinVar contains an entry for this variant (Variation ID: 844187). Invitae Evidence Modeling of protein sequence and biophysical properties (such as structural, functional, and spatial information, amino acid conservation, physicochemical variation, residue mobility, and thermodynamic stability) indicates that this missense variant is not expected to disrupt BLM protein function with a negative predictive value of 80%. In summary, the available evidence is currently insufficient to determine the role of this variant in disease. Therefore, it has been classified as a Variant of Uncertain Significance.

Ambry Genetics
Classification: Uncertain significance for Hereditary cancer-predisposing syndrome. Last evaluated: 2025-06-09. Review status: criteria provided, single submitter. Criteria: Ambry Variant Classification Scheme 2023. Collection method: clinical testing. Allele origin: germline.
Comment: The p.R849K variant (also known as c.2546G>A), located in coding exon 11 of the BLM gene, results from a G to A substitution at nucleotide position 2546. The arginine at codon 849 is replaced by lysine, an amino acid with highly similar properties. This amino acid position is not well conserved in available vertebrate species. In addition, this alteration is predicted to be tolerated by in silico analysis. Since supporting evidence is limited at this time, the clinical significance of this alteration remains unclear.